The following is an entry in ClinVar:

ClinVar aggregate classification (germline): Uncertain significance (1 of 4 stars; one submission).

Submission:

Ambry Genetics
Classification: Uncertain significance. Last evaluated: 2022-10-11. Review status: criteria provided, single submitter. Criteria: Ambry Variant Classification Scheme 2023. Collection method: clinical testing. Allele origin: germline.
Comment: The p.V145F variant (also known as c.433G>T), located in coding exon 3 of the IDH1 gene, results from a G to T substitution at nucleotide position 433. The valine at codon 145 is replaced by phenylalanine, an amino acid with highly similar properties. This amino acid position is conserved. In addition, this alteration is predicted to be deleterious by in silico analysis. Since supporting evidence is limited at this time, the clinical significance of this alteration remains unclear.

NM_005896.4(IDH1):c.433G>T (p.Val145Phe)

Gene: IDH1 (isocitrate dehydrogenase (NADP(+)) 1; minus strand). Cytogenetic location: 2q34.
Variant type: single nucleotide variant.
Coding change: c.433G>T on transcript NM_005896.4 (MANE Select); coding-DNA position 433, G replaced by T.
Protein change: p.Val145Phe; replaces valine 145 with phenylalanine.
Molecular consequence: missense variant.
Genome position (GRCh38, 1-based): chr2:208,245,406, C>A on the plus strand (G>T on the coding strand, the complement: IDH1 is on the minus strand). VCF-style: chr2-208245406-C-A. GRCh37 (hg19) VCF-style: chr2-209110130-C-A.
Other names: c.433G>T, p.Val145Phe (NM_001282386.1, NM_001282387.1); short protein forms V145F.
Identifiers: ClinVar variation 1739855 (VCV001739855.2), dbSNP rs2469025625, ClinGen allele CA350100463.